The following is an entry in ClinVar:

ClinVar aggregate classification (germline): Benign (1 of 4 stars; one submission).

Conditions:
Lynch syndrome 4 (LYNCH4). Also called: Colorectal cancer, hereditary nonpolyposis, type 4; Hereditary non-polyposis colorectal cancer, type 4. Identifiers: Orphanet 144, MedGen C1838333, MONDO:0013699, OMIM 614337. Disease mechanism: loss of function.

Submission:

Myriad Genetics, Inc.
Classification: Benign for Lynch syndrome 4. Last evaluated: 2025-01-28. Review status: criteria provided, single submitter. Criteria: Myriad Autosomal Dominant, Autosomal Recessive and X-Linked Classification Criteria (2023). Collection method: clinical testing. Allele origin: unknown.
Comment: This variant is considered benign. This variant is intronic and is not expected to impact mRNA splicing.

NM_000535.7(PMS2):c.804-44del

Gene: PMS2 (PMS1 homolog 2, mismatch repair system component; minus strand). Cytogenetic location: 7p22.1.
Variant type: Deletion.
Coding change: c.804-44del on transcript NM_000535.7 (MANE Select); 44 bases into the intron before coding-DNA position 804, one base deleted (C; older notation c.804-44delC).
Molecular consequence: intron variant.
Genome position (GRCh38, 1-based): chr7:5,995,677, G deleted on the plus strand (C on the coding strand, the reverse complement: PMS2 is on the minus strand); the first of 3 consecutive G bases (chr7:5,995,677-5,995,679); deleting any one gives the same sequence. VCF-style (leftmost placement, unchanged base first): chr7-5995676-AG-A. GRCh37 (hg19) VCF-style: chr7-6035307-AG-A.
Other names: c.486-44del (NM_001322008.2, NM_001406902.1, NM_001406883.1 and 4 more transcripts); c.495-44del (NM_001406881.1, NM_001406879.1, NM_001322015.2 and 6 more transcripts); c.399-44del (NM_001406895.1, NM_001322010.2, NM_001322004.2 and 19 more transcripts); c.133-3620del (NM_001406911.1); c.291-44del (NM_001406904.1, NM_001406905.1); c.231-44del (NM_001322013.2, NM_001406909.1); c.-130-44del (NM_001322012.2, NM_001322011.2); c.468-44del (NM_001406885.1); and 8 more.
Identifiers: ClinVar variation 3904035 (VCV003904035.1).